The following is an entry in ClinVar:

ClinVar aggregate classification (germline): Likely pathogenic (1 of 4 stars; one submission).

Conditions:
Familial cancer of breast. Also called: hereditary breast carcinoma; BREAST CANCER, FAMILIAL; Hereditary breast cancer. Identifiers: Orphanet 227535, MedGen C0346153, MONDO:0016419, OMIM 114480. Disease mechanism: loss of function.

Submission:

Labcorp Genetics (formerly Invitae), Labcorp
Classification: Likely pathogenic for Familial cancer of breast. Last evaluated: 2020-05-03. Review status: criteria provided, single submitter. Criteria: Invitae Variant Classification Sherloc (09022015). Collection method: clinical testing. Allele origin: germline.
Comment: This variant disrupts the nuclear localization signal (NLS) domain of the CHEK2 protein, which is critical for proper nuclear cellular localization (PMID: 18004398, 12909615). While functional studies have not been performed to directly test the effect of this variant on CHEK2 protein function, this suggests that disruption of this region of the protein is causative of disease. In summary, the currently available evidence indicates that the variant is pathogenic, but additional data are needed to prove that conclusively. Therefore, this variant has been classified as Likely Pathogenic. This variant has not been reported in the literature in individuals with CHEK2-related conditions. This variant is not present in population databases (ExAC no frequency). This sequence change results in a premature translational stop signal in the CHEK2 gene (p.Ser500Tyrfs*5). While this is not anticipated to result in nonsense mediated decay, it is expected to disrupt the last 44 amino acids of the CHEK2 protein.

Literature cited by the submitters: PubMed 18004398; PubMed 12909615.

NM_007194.4(CHEK2):c.1499_1523del (p.Ser500fs)

Gene: CHEK2 (checkpoint kinase 2; minus strand). Cytogenetic location: 22q12.1.
Variant type: Deletion.
Coding change: c.1499_1523del on transcript NM_007194.4 (MANE Select); coding-DNA positions 1499 to 1523, 25 bases deleted (CTGAGGAAAATGAATCCACAGCTCT).
Protein change: p.Ser500fs; shifts the reading frame from serine 500.
Molecular consequence: frameshift variant.
Genome position (GRCh38, 1-based): chr22:28,689,154-28,689,178, AGAGCTGTGGATTCATTTTCCTCAG deleted on the plus strand (CTGAGGAAAATGAATCCACAGCTCT on the coding strand, the reverse complement: CHEK2 is on the minus strand); deleting any 25 consecutive bases within chr22:28,689,154-28,689,179 gives the same sequence; the c. name uses the placement nearest the transcript's 3' end. VCF-style (leftmost placement, unchanged base first): chr22-28689153-TAGAGCTGTGGATTCATTTTCCTCAG-T. GRCh37 (hg19) VCF-style: chr22-29085141-TAGAGCTGTGGATTCATTTTCCTCAG-T.
Other names: c.1627_1651del25, p.Ser543Tyrfs (NM_001005735.3); c.835_859del25, p.Ser279Tyrfs (NM_001257387.3); c.1297_1321del25, p.Ser433Tyrfs (NM_001349956.3); c.1411_1435del25, p.Ser471Tyrfs (NM_145862.3); short protein forms S279fs, S433fs, S471fs, S500fs, S543fs.
Identifiers: ClinVar variation 1067276 (VCV001067276.8), dbSNP rs2145748708, ClinGen allele CA2499226048.